The following is an entry in ClinVar:

ClinVar aggregate classification (germline): Benign/Likely benign. Review status: criteria provided, multiple submitters, no conflicts (2 of 4 stars). 3 submissions from 3 submitters: Benign (1); Likely benign (2). Last evaluated 2024-07-18.

Conditions:
Hereditary cancer-predisposing syndrome. Also called: Hereditary Cancer Syndrome; Hereditary neoplastic syndrome; Neoplastic Syndromes, Hereditary; Tumor predisposition. Identifiers: Orphanet 140162, MedGen C0027672, MeSH D009386, MONDO:0015356.
Familial adenomatous polyposis 1 (FAP1). Also called: FAMILIAL ADENOMATOUS POLYPOSIS 1, ATTENUATED; POLYPOSIS, ADENOMATOUS INTESTINAL. Identifiers: MedGen C2713442, MONDO:0021056, OMIM 175100. Disease mechanism: loss of function.

Submissions (3):

Labcorp Genetics (formerly Invitae), Labcorp
Classification: Likely benign for Familial adenomatous polyposis 1. Last evaluated: 2024-07-18. Review status: criteria provided, single submitter. Criteria: Invitae Variant Classification Sherloc (09022015). Collection method: clinical testing. Allele origin: germline.

Myriad Genetics, Inc.
Classification: Benign for Familial adenomatous polyposis 1. Last evaluated: 2024-03-28. Review status: criteria provided, single submitter. Criteria: Myriad Autosomal Dominant, Autosomal Recessive and X-Linked Classification Criteria (2023). Collection method: clinical testing. Allele origin: unknown.
Comment: This variant is considered benign. This variant is a silent/synonymous amino acid change and it is not expected to impact splicing.

Ambry Genetics
Classification: Likely benign for Hereditary cancer-predisposing syndrome. Last evaluated: 2022-11-25. Review status: criteria provided, single submitter. Criteria: Ambry Variant Classification Scheme 2023. Collection method: clinical testing. Allele origin: germline.

NM_000038.6(APC):c.5022A>G (p.Gly1674=)

Gene: APC (APC regulator of Wnt signaling pathway; plus strand). Cytogenetic location: 5q22.2.
Variant type: single nucleotide variant.
Coding change: c.5022A>G on transcript NM_000038.6 (MANE Select); coding-DNA position 5022, A replaced by G.
Protein change: p.Gly1674=; no amino-acid change (glycine 1674 retained).
Molecular consequence: synonymous variant.
Genome position (GRCh38, 1-based): chr5:112,840,616, A>G. VCF-style: chr5-112840616-A-G. GRCh37 (hg19) VCF-style: chr5-112176313-A-G.
Other names: c.5022A>G, p.Gly1674= (NM_001127510.3, NM_001354895.2); c.4968A>G, p.Gly1656= (NM_001127511.3); c.5076A>G, p.Gly1692= (NM_001354896.2); c.5052A>G, p.Gly1684= (NM_001354897.2); c.4947A>G, p.Gly1649= (NM_001354898.2); c.4938A>G, p.Gly1646= (NM_001354899.2); c.4899A>G, p.Gly1633= (NM_001354900.2); c.4845A>G, p.Gly1615= (NM_001354901.2); and 5 more.
Identifiers: ClinVar variation 756364 (VCV000756364.14), dbSNP rs1580655351, ClinGen allele CA446208766.
Genomic context (GRCh38, chr5:112,840,616, plus strand): 5'-TACATCTCTAAGTGATCTAACAATCGAATCCCCTCCAAATGAGTTAGCTGCTGGAGAAGG[A>G]GTTAGAGGAGGGGCACAGTCAGGTGAATTTGAAAAACGAGATACCATTCCTACAGAAGGC-3'
Protein context (NP_000029.2, residues 1664-1684): SPPNELAAGE[Gly1674=]VRGGAQSGEF